The following is an entry in ClinVar:

ClinVar aggregate classification (germline): Conflicting classifications of pathogenicity. Review status: criteria provided, conflicting classifications (1 of 4 stars). 3 submissions from 3 submitters: Uncertain significance (1); Likely benign (1). 1 of the submissions does not count toward it. Last evaluated 2022-11-14.

Conditions:
Cobalamin C disease. Also called: methylmalonic aciduria and homocystinuria type cblC; Methylmalonic aciduria with homocystinuria cblC type; Cobalamin-C methylmalonic acidemia and homocystinuria; Methylmalonic acidemia and homocystinuria cblC type; Methylmalonic aciduria and homocystinuria, Vitamin B12-responsive; Vitamin B12 metabolic defect with combined deficiency of methylmalonyl-CoA mutase and homocysteine:methyltetrahydrofolate methyltransferase. Identifiers: Orphanet 26, Orphanet 79282, MedGen C1848561, MONDO:0010184, OMIM 277400.

Allele frequency attached by ClinVar (database versions not stated): gnomAD exomes below 0.00001 and 0.00001; ExAC 0.00002; gnomAD 0.00004; TOPMed 0.00004.
gnomAD v4.1: 12 of 1,612,280 alleles (0.00074%); highest among the groups gnomAD compares: African/African-American, 0.015%; no homozygotes.

Submissions (3):

Blueprint Genetics
Classification: Likely benign. Last evaluated: 2022-11-14. Review status: criteria provided, single submitter. Criteria: ACMG Guidelines, 2015. Collection method: clinical testing. Allele origin: germline.

Labcorp Genetics (formerly Invitae), Labcorp
Classification: Uncertain significance for Cobalamin C disease. Last evaluated: 2021-08-28. Review status: criteria provided, single submitter. Criteria: Invitae Variant Classification Sherloc (09022015). Collection method: clinical testing. Allele origin: germline.
Comment: This sequence change replaces serine with proline at codon 245 of the MMACHC protein (p.Ser245Pro). The serine residue is weakly conserved and there is a moderate physicochemical difference between serine and proline. This variant is present in population databases (rs779575471, ExAC 0.02%). This variant has not been reported in the literature in individuals affected with MMACHC-related conditions. Algorithms developed to predict the effect of missense changes on protein structure and function output the following: SIFT: "Deleterious"; PolyPhen-2: "Benign"; Align-GVGD: "Class C0". The proline amino acid residue is found in multiple mammalian species, which suggests that this missense change does not adversely affect protein function. In summary, the available evidence is currently insufficient to determine the role of this variant in disease. Therefore, it has been classified as a Variant of Uncertain Significance.

Natera, Inc.
Classification: Uncertain significance for Methylmalonic aciduria and homocystinuria cblC type. Last evaluated: 2020-10-11. Review status: no assertion criteria provided. Collection method: clinical testing. Allele origin: germline. Not counted in ClinVar's aggregate classification.

NM_015506.3(MMACHC):c.733T>C (p.Ser245Pro)

Gene: MMACHC (metabolism of cobalamin associated C; plus strand). Cytogenetic location: 1p34.1.
Variant type: single nucleotide variant.
Coding change: c.733T>C on transcript NM_015506.3 (MANE Select); coding-DNA position 733, T replaced by C.
Protein change: p.Ser245Pro; replaces serine 245 with proline.
Molecular consequence: missense variant.
Genome position (GRCh38, 1-based): chr1:45,509,099, T>C. VCF-style: chr1-45509099-T-C. GRCh37 (hg19) VCF-style: chr1-45974771-T-C.
Other names: c.562T>C, p.Ser188Pro (NM_001330540.2); short protein forms S245P, S188P.
Identifiers: ClinVar variation 949175 (VCV000949175.9), dbSNP rs779575471, ClinGen allele CA827848.